The following is an entry in ClinVar:

NM_015450.3(POT1):c.1702A>G (p.Ile568Val)

Gene: POT1 (protection of telomeres 1; minus strand). Cytogenetic location: 7q31.33.
Variant type: single nucleotide variant.
Coding change: c.1702A>G on transcript NM_015450.3 (MANE Select); coding-DNA position 1702, A replaced by G.
Protein change: p.Ile568Val; replaces isoleucine 568 with valine.
Molecular consequence: missense variant. On other transcripts: non-coding transcript variant (3).
Genome position (GRCh38, 1-based): chr7:124,825,342, T>C on the plus strand (A>G on the coding strand, the complement: POT1 is on the minus strand). VCF-style: chr7-124825342-T-C. GRCh37 (hg19) VCF-style: chr7-124465396-T-C.
Other names: c.1309A>G, p.Ile437Val (NM_001042594.2); short protein forms I437V, I568V.
Identifiers: ClinVar variation 819867 (VCV000819867.13), dbSNP rs150719673, ClinGen allele CA4464998.
Genomic context (GRCh38, chr7:124,825,342, plus strand): 5'-CCATGATCATATCCACACTTTTCTGAAGGTCATCATCCATCAGAACTTCTGATGCTGGAA[T>C]CTGGAAGAATTTGTCCTTAAAAATGTTTCATGAGAGAAAAAAAAAGGAAATAATATTAAT-3'
Protein context (NP_056265.2, residues 558-578): YLMDSDKFFQ[Ile568Val]PASEVLMDDD

ClinVar aggregate classification (germline): Uncertain significance. Review status: criteria provided, multiple submitters, no conflicts (2 of 4 stars). 4 submissions from 4 submitters: Uncertain significance (4). Last evaluated 2026-01-27.

Conditions:
Hereditary cancer-predisposing syndrome. Also called: Tumor predisposition; Hereditary Cancer Syndrome; Hereditary neoplastic syndrome; Neoplastic Syndromes, Hereditary. Identifiers: Orphanet 140162, MedGen C0027672, MeSH D009386, MONDO:0015356.
Tumor predisposition syndrome 3 (TPDS3). Also called: Glioma susceptibility 9; LONG TELOMERE SYNDROME, POT1-RELATED; POT1 Tumor Predisposition; Melanoma, cutaneous malignant, susceptibility to, 10. Identifiers: Orphanet 618, MedGen C4014476, MONDO:0014368, OMIM 615848.

Allele frequency attached by ClinVar (database versions not stated): gnomAD exomes below 0.00001; TOPMed below 0.00001; ExAC 0.00001; gnomAD 0.00001; ESP Exome Variant Server 0.00008.
gnomAD v4.1: 8 of 1,604,648 alleles (0.0005%); highest among the groups gnomAD compares: African/African-American, 0.0013%; no homozygotes.

Submissions (4):

Labcorp Genetics (formerly Invitae), Labcorp
Classification: Uncertain significance for Tumor predisposition syndrome 3. Last evaluated: 2026-01-27. Review status: criteria provided, single submitter. Criteria: Invitae Variant Classification Sherloc (09022015). Collection method: clinical testing. Allele origin: germline.
Comment: This sequence change replaces isoleucine, which is neutral and non-polar, with valine, which is neutral and non-polar, at codon 568 of the POT1 protein (p.Ile568Val). This variant is not present in population databases (gnomAD no frequency). This variant has not been reported in the literature in individuals affected with POT1-related conditions. ClinVar contains an entry for this variant (Variation ID: 819867). Invitae Evidence Modeling of protein sequence and biophysical properties (such as structural, functional, and spatial information, amino acid conservation, physicochemical variation, residue mobility, and thermodynamic stability) indicates that this missense variant is not expected to disrupt POT1 protein function with a negative predictive value of 80%. RNA analysis performed to evaluate the impact of this missense change on mRNA splicing indicates it does not significantly alter splicing (internal data). In summary, the available evidence is currently insufficient to determine the role of this variant in disease. Therefore, it has been classified as a Variant of Uncertain Significance.

Quest Diagnostics Nichols Institute San Juan Capistrano
Classification: Uncertain significance. Last evaluated: 2025-04-25. Review status: criteria provided, single submitter. Criteria: Quest Diagnostics criteria. Collection method: clinical testing. Allele origin: unknown.
Comment: The POT1 c.1702A>G (p.Ile568Val) variant has not been reported in individuals with POT1-related conditions in the published literature. The frequency of this variant in the general population (Genome Aggregation Database) is uninformative in the assessment of its pathogenicity. Analysis of this variant using a bioinformatics tool (i.e., MutationTaster) for the prediction of the effect of amino acid changes on protein structure and function yielded a prediction that this variant is benign. Based on the available information, we are unable to determine the clinical significance of this variant.

Ambry Genetics
Classification: Uncertain significance for Hereditary cancer-predisposing syndrome. Last evaluated: 2024-11-17. Review status: criteria provided, single submitter. Criteria: Ambry Variant Classification Scheme 2023. Collection method: clinical testing. Allele origin: germline.
Comment: The p.I568V variant (also known as c.1702A>G), located in coding exon 14 of the POT1 gene, results from an A to G substitution at nucleotide position 1702. The isoleucine at codon 568 is replaced by valine, an amino acid with highly similar properties. This amino acid position is highly conserved in available vertebrate species. In addition, this alteration is predicted to be tolerated by in silico analysis. Since supporting evidence is limited at this time, the clinical significance of this alteration remains unclear.

GeneDx
Classification: Uncertain significance. Last evaluated: 2023-02-08. Review status: criteria provided, single submitter. Criteria: GeneDx Variant Classification Process June 2021. Collection method: clinical testing. Allele origin: germline. Affected: yes.
Comment: Not observed at significant frequency in large population cohorts (gnomAD); In silico analysis supports that this missense variant does not alter protein structure/function; Has not been previously published as pathogenic or benign to our knowledge; In silico analysis suggests this variant may impact gene splicing. In the absence of RNA/functional studies, the actual effect of this sequence change is unknown.; This variant is associated with the following publications: (PMID: 28393830)